The following is an entry in ClinVar:

ClinVar aggregate classification (germline): Uncertain significance (1 of 4 stars; one submission).

Conditions:
Jeune thoracic dystrophy. Also called: Infantile thoracic dystrophy; Thoracic pelvic phalangeal dystrophy; Jeune's syndrome; Chondroectodermal dysplasia-like syndrome; Short-rib thoracic dysplasia; Jeune syndrome. Identifiers: Orphanet 474, MedGen C0265275, MONDO:0018770.

Allele frequency attached by ClinVar (database versions not stated): gnomAD exomes below 0.00001.
gnomAD v4.1: 4 of 1,613,332 alleles (0.00025%); highest among the groups gnomAD compares: Middle Eastern, 0.017%; no homozygotes.

Submission:

Labcorp Genetics (formerly Invitae), Labcorp
Classification: Uncertain significance for Jeune thoracic dystrophy. Last evaluated: 2022-08-03. Review status: criteria provided, single submitter. Criteria: Invitae Variant Classification Sherloc (09022015). Collection method: clinical testing. Allele origin: germline.
Comment: This sequence change replaces glutamine, which is neutral and polar, with arginine, which is basic and polar, at codon 4168 of the DYNC2H1 protein (p.Gln4168Arg). This variant is not present in population databases (gnomAD no frequency). This variant has not been reported in the literature in individuals affected with DYNC2H1-related conditions. Advanced modeling of protein sequence and biophysical properties (such as structural, functional, and spatial information, amino acid conservation, physicochemical variation, residue mobility, and thermodynamic stability) performed at Invitae indicates that this missense variant is not expected to disrupt DYNC2H1 protein function. In summary, the available evidence is currently insufficient to determine the role of this variant in disease. Therefore, it has been classified as a Variant of Uncertain Significance.

NM_001377.3(DYNC2H1):c.12482A>G (p.Gln4161Arg)

Gene: DYNC2H1 (dynein cytoplasmic 2 heavy chain 1; plus strand). Cytogenetic location: 11q22.3.
Variant type: single nucleotide variant.
Coding change: c.12482A>G on transcript NM_001377.3 (MANE Select); coding-DNA position 12482, A replaced by G.
Protein change: p.Gln4161Arg; replaces glutamine 4161 with arginine.
Molecular consequence: missense variant.
Genome position (GRCh38, 1-based): chr11:103,455,211, A>G. VCF-style: chr11-103455211-A-G. GRCh37 (hg19) VCF-style: chr11-103325939-A-G.
Other names: c.12503A>G, p.Gln4168Arg (NM_001080463.2); short protein forms Q4161R, Q4168R.
Identifiers: ClinVar variation 2174428 (VCV002174428.1), dbSNP rs2497538787, ClinGen allele CA382289483.